The following is an entry in ClinVar:

ClinVar aggregate classification (germline): Pathogenic (1 of 4 stars; one submission).

Conditions:
Inborn genetic diseases. Identifiers: MedGen C0950123, MeSH D030342.

Submission:

Ambry Genetics
Classification: Pathogenic for Inborn genetic diseases. Last evaluated: 2025-07-14. Review status: criteria provided, single submitter. Criteria: Ambry Variant Classification Scheme 2023. Collection method: clinical testing. Allele origin: germline.
Comment: The c.1128_1153dupCGAGCGGGGCGGCGACGTGTCCCCTA (p.S385Tfs*68) alteration, located in exon 1 (coding exon 1) of the CDK13 gene, consists of a duplication of CGAGCGGGGCGGCGACGTGTCCCCTA at position 1128, causing a translational frameshift with a predicted alternate stop codon after 68 amino acids. This alteration is expected to result in loss of function by premature protein truncation or nonsense-mediated mRNA decay. This variant was not reported in population-based cohorts in the Genome Aggregation Database (gnomAD). Based on the available evidence, this alteration is classified as pathogenic.

NM_003718.5(CDK13):c.1128_1153dup (p.Ser385fs)

Gene: CDK13 (cyclin dependent kinase 13; plus strand). Cytogenetic location: 7p14.1.
Variant type: Duplication.
Coding change: c.1128_1153dup on transcript NM_003718.5 (MANE Select); coding-DNA positions 1128 to 1153, 26 bases duplicated (CGAGCGGGGCGGCGACGTGTCCCCTA).
Protein change: p.Ser385fs; shifts the reading frame from serine 385.
Molecular consequence: frameshift variant.
Genome position (GRCh38, 1-based): chr7:39,951,769-39,951,794, CGAGCGGGGCGGCGACGTGTCCCCTA duplicated; duplicating any 26 consecutive bases within chr7:39,951,765-39,951,794 gives the same sequence; the c. name uses the placement nearest the transcript's 3' end. VCF-style (leftmost placement, unchanged base first): chr7-39951764-T-TCCTACGAGCGGGGCGGCGACGTGTCC. GRCh37 (hg19) VCF-style: chr7-39991363-T-TCCTACGAGCGGGGCGGCGACGTGTCC.
Other names: c.1128_1153dup, p.Ser385Thrfs (NM_031267.4); short protein forms S385fs.
Identifiers: ClinVar variation 4224485 (VCV004224485.1).